The following is an entry in ClinVar:

NM_004364.5(CEBPA):c.211G>T (p.Ala71Ser)

Gene: CEBPA (CCAAT enhancer binding protein alpha; minus strand). Cytogenetic location: 19q13.11.
Variant type: single nucleotide variant.
Coding change: c.211G>T on transcript NM_004364.5 (MANE Select); coding-DNA position 211, G replaced by T.
Protein change: p.Ala71Ser; replaces alanine 71 with serine.
Molecular consequence: missense variant. On other transcripts: 5 prime UTR variant (1).
Genome position (GRCh38, 1-based): chr19:33,302,204, C>A on the plus strand (G>T on the coding strand, the complement: CEBPA is on the minus strand). VCF-style: chr19-33302204-C-A. GRCh37 (hg19) VCF-style: chr19-33793110-C-A.
Other names: c.-147G>T (NM_001285829.2); c.316G>T, p.Ala106Ser (NM_001287424.2); c.169G>T, p.Ala57Ser (NM_001287435.2); short protein forms A57S, A106S, A71S.
Identifiers: ClinVar variation 4824864 (VCV004824864.1).
Genomic context (GRCh38, chr19:33,302,204, plus strand): 5'-CCTTCTCCTGCTGCCGGCTGTGCTGGAACAGGTCGGCCAGGAACTCGTCGTTGAAGGCGG[C>A]CGGGTCGATGTAGGCGCTGATGTCGATGGACGTCTCGTGCTCGCAGATGCCGCCCAGCGG-3'
Protein context (NP_004355.2, residues 61-81): SIDISAYIDP[Ala71Ser]AFNDEFLADL

ClinVar aggregate classification (germline): Uncertain significance (1 of 4 stars; one submission).

Conditions:
Inborn genetic diseases. Identifiers: MedGen C0950123, MeSH D030342.

Submission:

Ambry Genetics
Classification: Uncertain significance for Inborn genetic diseases. Last evaluated: 2026-02-15. Review status: criteria provided, single submitter. Criteria: Ambry Variant Classification Scheme 2023. Collection method: clinical testing. Allele origin: germline.
Comment: The p.A71S variant (also known as c.211G>T), located in coding exon 1 of the CEBPA gene, results from a G to T substitution at nucleotide position 211. The alanine at codon 71 is replaced by serine, an amino acid with similar properties. This amino acid position is conserved. In addition, this alteration is predicted to be tolerated by in silico analysis. Based on the available evidence, the clinical significance of this variant remains unclear.